The following is an entry in ClinVar:

NM_000051.4(ATM):c.6070G>A (p.Gly2024Arg)

Genes: ATM (ATM serine/threonine kinase; plus strand), C11orf65 (chromosome 11 open reading frame 65; minus strand). Cytogenetic location: 11q22.3.
Variant type: single nucleotide variant.
Coding change: c.6070G>A on transcript NM_000051.4 (MANE Select); coding-DNA position 6070, G replaced by A.
Protein change: p.Gly2024Arg; replaces glycine 2024 with arginine.
Molecular consequence: missense variant. On other transcripts: intron variant (2).
Genome position (GRCh38, 1-based): chr11:108,315,886, G>A. VCF-style: chr11-108315886-G-A. GRCh37 (hg19) VCF-style: chr11-108186613-G-A.
Other names: c.6070G>A, p.Gly2024Arg (NM_001351834.2); c.641-6815C>T (NM_001330368.2); c.*39-6815C>T (NM_001351110.2); short protein forms G2024R.
Identifiers: ClinVar variation 572227 (VCV000572227.15), dbSNP rs1565499041, ClinGen allele CA382550088.

ClinVar aggregate classification (germline): Uncertain significance. Review status: criteria provided, multiple submitters, no conflicts (2 of 4 stars). 3 submissions from 3 submitters: Uncertain significance (3). Last evaluated 2025-09-04.

Conditions:
Hereditary cancer-predisposing syndrome. Also called: Hereditary Cancer Syndrome; Neoplastic Syndromes, Hereditary; Tumor predisposition; Hereditary neoplastic syndrome. Identifiers: Orphanet 140162, MedGen C0027672, MeSH D009386, MONDO:0015356.
Ataxia-telangiectasia syndrome (AT). Also called: Cerebello-oculocutaneous telangiectasia; Immunodeficiency with ataxia telangiectasia; Ataxia-telangiectasia, complementation group E; Ataxia-telangiectasia, complementation group D; AT, COMPLEMENTATION GROUP C; ATAXIA-TELANGIECTASIA, COMPLEMENTATION GROUP A. Identifiers: Orphanet 100, MedGen C0004135, MONDO:0008840, OMIM 208900.

Submissions (3):

Color Diagnostics, LLC DBA Color Health
Classification: Uncertain significance for Hereditary cancer-predisposing syndrome. Last evaluated: 2025-09-04. Review status: criteria provided, single submitter. Criteria: ACMG Guidelines, 2015. Collection method: clinical testing. Allele origin: germline.
Comment: This missense variant replaces glycine with arginine at codon 2024 of the ATM protein. Computational prediction suggests that this variant may not impact protein structure and function. To our knowledge, functional studies have not been reported for this variant. This variant has not been reported in individuals affected with ATM-related disorders in the literature. This variant has not been identified in the general population by the Genome Aggregation Database (gnomAD). The available evidence is insufficient to determine the role of this variant in disease conclusively. Therefore, this variant is classified as a Variant of Uncertain Significance.

Labcorp Genetics (formerly Invitae), Labcorp
Classification: Uncertain significance for Ataxia-telangiectasia syndrome. Last evaluated: 2024-07-29. Review status: criteria provided, single submitter. Criteria: Invitae Variant Classification Sherloc (09022015). Collection method: clinical testing. Allele origin: germline.
Comment: This sequence change replaces glycine, which is neutral and non-polar, with arginine, which is basic and polar, at codon 2024 of the ATM protein (p.Gly2024Arg). This variant is not present in population databases (gnomAD no frequency). This variant has not been reported in the literature in individuals affected with ATM-related conditions. ClinVar contains an entry for this variant (Variation ID: 572227). An algorithm developed to predict the effect of missense changes on protein structure and function (PolyPhen-2) suggests that this variant is likely to be disruptive. In summary, the available evidence is currently insufficient to determine the role of this variant in disease. Therefore, it has been classified as a Variant of Uncertain Significance.

Ambry Genetics
Classification: Uncertain significance for Hereditary cancer-predisposing syndrome. Last evaluated: 2018-11-30. Review status: criteria provided, single submitter. Criteria: Ambry Variant Classification Scheme 2023. Collection method: clinical testing. Allele origin: germline.
Comment: The p.G2024R variant (also known as c.6070G>A), located in coding exon 40 of the ATM gene, results from a G to A substitution at nucleotide position 6070. The glycine at codon 2024 is replaced by arginine, an amino acid with dissimilar properties. This amino acid position is well conserved in available vertebrate species. In addition, this alteration is predicted to be tolerated by in silico analysis. Since supporting evidence is limited at this time, the clinical significance of this alteration remains unclear.